The following is an entry in ClinVar:

NM_001349338.3(FOXP1):c.1722+3_1722+4dup

Gene: FOXP1 (forkhead box P1; minus strand). Cytogenetic location: 3p13.
Variant type: Duplication.
Coding change: c.1722+3_1722+4dup on transcript NM_001349338.3 (MANE Select); bases 3 to 4 of the intron after coding-DNA position 1722, 2 bases duplicated (AA; older notation c.1722+3_1722+4dupAA).
Molecular consequence: intron variant.
Genome position (GRCh38, 1-based): chr3:70,970,732-70,970,733, TT duplicated on the plus strand (AA on the coding strand, the reverse complement: FOXP1 is on the minus strand). VCF-style (leftmost placement, unchanged base first): chr3-70970731-C-CTT. GRCh37 (hg19) VCF-style: chr3-71019882-C-CTT.
Other names: c.1770+3_1770+4dup (NM_001244810.2); c.1722+3_1722+4dup (NM_032682.6, NM_001349340.3, NM_001244816.2 and 1 more transcripts); c.1719+3_1719+4dup (NM_001349341.3, NM_001244808.3); c.1494+3_1494+4dup (NM_001244812.3); c.1419+3_1419+4dup (NM_001349343.3, NM_001349337.2, NM_001370548.1 and 1 more transcripts); c.1422+3_1422+4dup (NM_001349342.3, NM_001244815.2, NM_001244813.3).
Identifiers: ClinVar variation 4813260 (VCV004813260.1).
Genomic context (GRCh38, chr3:70,970,731, plus strand): 5'-TATTTTGAAATGAGTAGGGGAGACCTGTGCCTCTGCTGCATATTCGGGACGGCCGTTAAT[C>CTT]TTACCTGTAAAGCTGCATTGAGAGGTGTGCAGTAGGCGTGGCTGCTCTGCATGTTTTTAA-3'

ClinVar aggregate classification (germline): Uncertain significance (1 of 4 stars; one submission).

Submission:

GeneDx
Classification: Uncertain significance. Last evaluated: 2025-09-02. Review status: criteria provided, single submitter. Criteria: GeneDx Variant Classification Process June 2021. Collection method: clinical testing. Allele origin: germline. Affected: yes.
Comment: Not observed at significant frequency in large population cohorts (gnomAD); Has not been previously published as pathogenic or benign to our knowledge; In silico analysis is inconclusive as to whether the variant alters gene splicing. In the absence of RNA/functional studies, the actual effect of this sequence change is unknown.